The following is an entry in ClinVar:

NM_022455.5(NSD1):c.1831C>T (p.Arg611Ter)

Gene: NSD1 (nuclear receptor binding SET domain protein 1; plus strand). Cytogenetic location: 5q35.3.
Variant type: single nucleotide variant.
Coding change: c.1831C>T on transcript NM_022455.5 (MANE Select); coding-DNA position 1831, C replaced by T.
Protein change: p.Arg611Ter; replaces arginine 611 with a stop codon.
Molecular consequence: nonsense.
Genome position (GRCh38, 1-based): chr5:177,210,230, C>T. VCF-style: chr5-177210230-C-T. GRCh37 (hg19) VCF-style: chr5-176637231-C-T.
Other names: c.958C>T, p.Arg320Ter (NM_001365684.2, NM_001409306.1, NM_001409307.1 and 3 more transcripts); c.1831C>T, p.Arg611Ter (NM_001409301.1, NM_001409302.1, NM_001409303.1); c.1411C>T, p.Arg471Ter (NM_001409304.1); c.1078C>T, p.Arg360Ter (NM_001409305.1); short protein forms R611*, R342*, R320*, R471*, R360*.
Identifiers: ClinVar variation 159273 (VCV000159273.21), dbSNP rs587784077, ClinGen allele CA294812.

ClinVar aggregate classification (germline): Pathogenic/Likely pathogenic. Review status: criteria provided, multiple submitters, no conflicts (2 of 4 stars). 9 submissions from 9 submitters: Pathogenic (7); Likely pathogenic (1). 1 of the submissions does not count toward it. Last evaluated 2026-01-02.

Conditions:
Sotos syndrome (SOTOS). Also called: Distinctive facial appearance, overgrowth in childhood, and learning disabilities or delayed development; CEREBRAL GIGANTISM; Sotos' syndrome; CHROMOSOME 5q35 DELETION SYNDROME; SOTOS SYNDROME 1. Identifiers: Orphanet 821, MedGen C0175695, MONDO:0019349, OMIM 117550.

Submissions (9):

Dasa
Classification: Likely pathogenic for Sotos syndrome. Last evaluated: 2026-01-02. Review status: criteria provided, single submitter. Criteria: DASA Assertion Criteria. Collection method: clinical testing. Allele origin: germline.
Comment: NM_022455.5(NSD1):c.1831C>T (p.Arg611*) is a nonsense variant in NSD1 predicted to introduce a premature termination codon and is predicted to result in an absent or altered protein product. Loss of function is an established disease mechanism for NSD1 (PMID: 11896389; PMID: 17565729; PMID: 23190751). Also, this variant is rare in population databases. Based on the currently available evidence, this variant is classified as likely pathogenic.

3billion
Classification: Pathogenic for Sotos syndrome. Last evaluated: 2025-08-19. Review status: criteria provided, single submitter. Criteria: ACMG Guidelines, 2015. Collection method: clinical testing. Allele origin: germline. Affected: yes.
Comment: The variant is not observed in the gnomAD v4.1.0 dataset. Predicted Consequence/Location: Stop-gained (nonsense): predicted to result in a loss or disruption of normal protein function through nonsense-mediated decay (NMD) or protein truncation. Multiple pathogenic variants are reported downstream of the variant. The variant has been reported at least twice as pathogenic with clinical assertions and evidence for the classification (ClinVar ID: VCV000159273 /PMID: 15942875 /3billion dataset). Therefore, this variant is classified as Pathogenic according to the recommendation of ACMG/AMP guideline.

GeneDx
Classification: Pathogenic. Last evaluated: 2023-03-30. Review status: criteria provided, single submitter. Criteria: GeneDx Variant Classification Process June 2021. Collection method: clinical testing. Allele origin: germline. Affected: yes.
Comment: Nonsense variant predicted to result in protein truncation or nonsense mediated decay in a gene for which loss of function is a known mechanism of disease; Not observed at significant frequency in large population cohorts (gnomAD); This variant is associated with the following publications: (PMID: 25525159, 31785789, 29276005, 28475857, 15942875)

Labcorp Genetics (formerly Invitae), Labcorp
Classification: Pathogenic. Last evaluated: 2023-02-16. Review status: criteria provided, single submitter. Criteria: Invitae Variant Classification Sherloc (09022015). Collection method: clinical testing. Allele origin: germline.
Comment: This sequence change creates a premature translational stop signal (p.Arg611*) in the NSD1 gene. It is expected to result in an absent or disrupted protein product. Loss-of-function variants in NSD1 are known to be pathogenic (PMID: 12464997, 14571271, 15942875, 16247291). This variant is not present in population databases (gnomAD no frequency). This premature translational stop signal has been observed in individual(s) with clinical features of Sotos syndrome (PMID: 28475857, 29276005). In at least one individual the variant was observed to be de novo. ClinVar contains an entry for this variant (Variation ID: 159273). For these reasons, this variant has been classified as Pathogenic.

Laboratorio de Genetica e Diagnostico Molecular, Hospital Israelita Albert Einstein
Classification: Pathogenic for Sotos syndrome. Last evaluated: 2021-08-15. Review status: criteria provided, single submitter. Criteria: ACMG Guidelines, 2015. Collection method: clinical testing. Allele origin: germline. Affected: yes.
Comment: ACMG classification criteria: PVS1 very strong, PS4 strong, PM2 moderate, PM6 strong

Genome-Nilou Lab
Classification: Pathogenic for Sotos syndrome. Last evaluated: 2021-07-15. Review status: criteria provided, single submitter. Criteria: ACMG Guidelines, 2015. Collection method: clinical testing. Allele origin: germline. Affected: no.

Johns Hopkins Genomics, Johns Hopkins University
Classification: Pathogenic for Sotos syndrome. Last evaluated: 2019-01-17. Review status: criteria provided, single submitter. Criteria: ACMG Guidelines, 2015. Collection method: clinical testing. Allele origin: germline.
Comment: This NSD1 variant has been previous been reported in individuals with a clinical presentation consistent with Sotos syndrome. Two submitters in ClinVar classify this variant as pathogenic. Additionally this variant is absent from large population datasets. This nonsense variant in exon 5 of 23 likely results in nonsense-mediated decay and lack of protein production. This variant is considered pathogenic.

Genetic Services Laboratory, University of Chicago
Classification: Pathogenic for Sotos syndrome 1. Last evaluated: 2013-02-08. Review status: criteria provided, single submitter. Criteria: ACMG Guidelines, 2007. Collection method: clinical testing. Allele origin: germline. Inheritance: Autosomal dominant inheritance. Affected: yes.

Centre de Biologie Pathologie Génétique, Centre Hospitalier Universitaire de Lille
Classification: Pathogenic for Sotos syndrome 1. Last evaluated: 2019-01-01. Review status: no assertion criteria provided. Collection method: clinical testing. Allele origin: de novo. Affected: yes. Not counted in ClinVar's aggregate classification.

Literature cited by the submitters: PubMed 29276005 (cited by Dasa and Labcorp Genetics (formerly Invitae), Labcorp); PubMed 14571271 (cited by Dasa and Labcorp Genetics (formerly Invitae), Labcorp); PubMed 12464997 (cited by Dasa and Labcorp Genetics (formerly Invitae), Labcorp); PubMed 15942875 (cited by 4 submitters); PubMed 28475857 (cited by Dasa and Labcorp Genetics (formerly Invitae), Labcorp); PubMed 11896389 (cited by Dasa); PubMed 17565729 (cited by Dasa); PubMed 23190751 (cited by Dasa); PubMed 16247291 (cited by Labcorp Genetics (formerly Invitae), Labcorp).